The following is an entry in ClinVar:

ClinVar aggregate classification (germline): Uncertain significance (1 of 4 stars; one submission).

Conditions:
Cardiovascular phenotype. Identifiers: MedGen CN230736.

gnomAD v4.1: 1 of 1,614,212 alleles (0.000062%); highest among the groups gnomAD compares: South Asian, 0.0011%; no homozygotes.

Submission:

Ambry Genetics
Classification: Uncertain significance for Cardiovascular phenotype. Last evaluated: 2026-09-11. Review status: criteria provided, single submitter. Criteria: Ambry Variant Classification Scheme 2023. Collection method: clinical testing. Allele origin: germline.
Comment: The p.T1180I variant (also known as c.3539C>T), located in coding exon 23 of the APOB gene, results from a C to T substitution at nucleotide position 3539. The threonine at codon 1180 is replaced by isoleucine, an amino acid with similar properties. This amino acid position is conserved. In addition, this alteration is predicted to be tolerated by in silico analysis. Based on the available evidence, the clinical significance of this variant remains unclear.

NM_000384.3(APOB):c.3539C>T (p.Thr1180Ile)

Gene: APOB (apolipoprotein B; minus strand). Cytogenetic location: 2p24.1.
Variant type: single nucleotide variant.
Coding change: c.3539C>T on transcript NM_000384.3 (MANE Select); coding-DNA position 3539, C replaced by T.
Protein change: p.Thr1180Ile; replaces threonine 1180 with isoleucine.
Molecular consequence: missense variant.
Genome position (GRCh38, 1-based): chr2:21,015,230, G>A on the plus strand (C>T on the coding strand, the complement: APOB is on the minus strand). VCF-style: chr2-21015230-G-A. GRCh37 (hg19) VCF-style: chr2-21238102-G-A.
Other names: short protein forms T1180I.
Identifiers: ClinVar variation 4613708 (VCV004613708.2).